The following is an entry in ClinVar:

ClinVar aggregate classification (germline): Uncertain significance. Review status: criteria provided, multiple submitters, no conflicts (2 of 4 stars). 2 submissions from 2 submitters: Uncertain significance (2). Last evaluated 2026-03-19.

Conditions:
Rubinstein-Taybi syndrome (RSTS). Identifiers: Orphanet 783, MedGen C0035934, MONDO:0019188.
Inborn genetic diseases. Identifiers: MedGen C0950123, MeSH D030342.

Allele frequency attached by ClinVar (database versions not stated): TOPMed 0.00001.

Submissions (2):

Ambry Genetics
Classification: Uncertain significance for Inborn genetic diseases. Last evaluated: 2026-03-19. Review status: criteria provided, single submitter. Criteria: Ambry Variant Classification Scheme 2023. Collection method: clinical testing. Allele origin: germline.

Labcorp Genetics (formerly Invitae), Labcorp
Classification: Uncertain significance for Rubinstein-Taybi syndrome. Last evaluated: 2023-07-25. Review status: criteria provided, single submitter. Criteria: Invitae Variant Classification Sherloc (09022015). Collection method: clinical testing. Allele origin: germline.
Comment: In summary, the available evidence is currently insufficient to determine the role of this variant in disease. Therefore, it has been classified as a Variant of Uncertain Significance. Advanced modeling of protein sequence and biophysical properties (such as structural, functional, and spatial information, amino acid conservation, physicochemical variation, residue mobility, and thermodynamic stability) performed at Invitae indicates that this missense variant is not expected to disrupt CREBBP protein function. This variant has not been reported in the literature in individuals affected with CREBBP-related conditions. This variant is not present in population databases (gnomAD no frequency). This sequence change replaces isoleucine, which is neutral and non-polar, with valine, which is neutral and non-polar, at codon 269 of the CREBBP protein (p.Ile269Val).

NM_004380.3(CREBBP):c.805A>G (p.Ile269Val)

Gene: CREBBP (CREB binding lysine acetyltransferase; minus strand). Cytogenetic location: 16p13.3.
Variant type: single nucleotide variant.
Coding change: c.805A>G on transcript NM_004380.3 (MANE Select); coding-DNA position 805, A replaced by G.
Protein change: p.Ile269Val; replaces isoleucine 269 with valine.
Molecular consequence: missense variant.
Genome position (GRCh38, 1-based): chr16:3,810,773, T>C on the plus strand (A>G on the coding strand, the complement: CREBBP is on the minus strand). VCF-style: chr16-3810773-T-C. GRCh37 (hg19) VCF-style: chr16-3860774-T-C.
Other names: c.805A>G, p.Ile269Val (NM_001079846.1); c.805A>G (NM_004380.2); short protein forms I269V.
Identifiers: ClinVar variation 2956335 (VCV002956335.4), dbSNP rs2053923650, ClinGen allele CA394566220.
Genomic context (GRCh38, chr16:3,810,773, plus strand): 5'-CCATTGGCTGCCCTCCAGCTTGACTAAAGGGCTGTCCAAATGGACTTGTGTTCCCAGTTA[T>C]TCCCATCTGAAACAAAAAAGAGGTAACATCAGCTGTGGTGACGCAGTCAATATAAAAGGA-3'
Protein context (NP_004371.2, residues 259-279): AQAGGMAKMG[Ile269Val]TGNTSPFGQP